The following is an entry in ClinVar:

ClinVar aggregate classification (germline): Uncertain significance. Review status: criteria provided, multiple submitters, no conflicts (2 of 4 stars). 4 submissions from 4 submitters: Uncertain significance (4). Last evaluated 2025-06-14.

Conditions:
ZNF469-related disorder. Also called: ZNF469-related condition.
Cardiovascular phenotype. Identifiers: MedGen CN230736.
Brittle cornea syndrome 1 (BCS1). Also called: Corneal fragility keratoglobus, blue sclerae AND joint hypermobility; CORNEAL FRAGILITY, KERATOGLOBUS, BLUE SCLERAE, JOINT HYPEREXTENSIBILITY; EDS6B; FRAGILITAS OCULI WITH JOINT HYPEREXTENSIBILITY; DYSGENESIS MESODERMALIS CORNEAE ET SCLERAE. Identifiers: Orphanet 90354, MedGen C0268344, MONDO:0024543, OMIM 229200.

Allele frequency attached by ClinVar (database versions not stated): gnomAD 0.00003; TOPMed 0.00003; gnomAD exomes 0.00004 and 0.00007.

Submissions (4):

Labcorp Genetics (formerly Invitae), Labcorp
Classification: Uncertain significance. Last evaluated: 2025-06-14. Review status: criteria provided, single submitter. Criteria: Invitae Variant Classification Sherloc (09022015). Collection method: clinical testing. Allele origin: germline.
Comment: This sequence change replaces arginine, which is basic and polar, with tryptophan, which is neutral and slightly polar, at codon 3446 of the ZNF469 protein (p.Arg3446Trp). This variant is present in population databases (no rsID available, gnomAD 0.04%). This variant has not been reported in the literature in individuals affected with ZNF469-related conditions. ClinVar contains an entry for this variant (Variation ID: 1031848). An algorithm developed to predict the effect of missense changes on protein structure and function (PolyPhen-2) suggests that this variant is likely to be disruptive. In summary, the available evidence is currently insufficient to determine the role of this variant in disease. Therefore, it has been classified as a Variant of Uncertain Significance.

PreventionGenetics, part of Exact Sciences
Classification: Uncertain significance for ZNF469-related condition. Last evaluated: 2025-05-01. Review status: criteria provided, single submitter. Criteria: ACMG Guidelines, 2015. Collection method: clinical testing. Allele origin: germline.
Comment: The ZNF469 c.10336C>T variant is predicted to result in the amino acid substitution p.Arg3446Trp. To our knowledge, this variant has not been reported in the literature. This variant is reported in 0.040% of alleles in individuals of Latino descent in gnomAD. At this time, the clinical significance of this variant is uncertain due to the absence of conclusive functional and genetic evidence.

Ambry Genetics
Classification: Uncertain significance for Cardiovascular phenotype. Last evaluated: 2021-08-10. Review status: criteria provided, single submitter. Criteria: Ambry Variant Classification Scheme 2023. Collection method: clinical testing. Allele origin: germline.
Comment: The p.R3446W variant (also known as c.10336C>T), located in coding exon 2 of the ZNF469 gene, results from a C to T substitution at nucleotide position 10336. The arginine at codon 3446 is replaced by tryptophan, an amino acid with dissimilar properties. This amino acid position is conserved. In addition, this alteration is predicted to be tolerated by in silico analysis. Since supporting evidence is limited at this time, the clinical significance of this alteration remains unclear.

Baylor Genetics
Classification: Uncertain significance for Brittle cornea syndrome 1. Last evaluated: 2018-05-15. Review status: criteria provided, single submitter. Criteria: ACMG Guidelines, 2015. Collection method: clinical testing. Allele origin: paternal. Affected: yes.
Comment: This variant was determined to be of uncertain significance according to ACMG Guidelines, 2015 [PMID:25741868].

NM_001367624.2(ZNF469):c.10420C>T (p.Arg3474Trp)

Gene: ZNF469 (zinc finger protein 469; plus strand). Cytogenetic location: 16q24.2.
Variant type: single nucleotide variant.
Coding change: c.10420C>T on transcript NM_001367624.2 (MANE Select); coding-DNA position 10420, C replaced by T.
Protein change: p.Arg3474Trp; replaces arginine 3474 with tryptophan.
Molecular consequence: missense variant.
Genome position (GRCh38, 1-based): chr16:88,437,890, C>T. VCF-style: chr16-88437890-C-T. GRCh37 (hg19) VCF-style: chr16-88504298-C-T.
Other names: NM_001127464.1:c.10336C>T; NM_001127464.2:c.10336C>T; short protein forms R3474W.
Identifiers: ClinVar variation 1031848 (VCV001031848.7), dbSNP rs1394199246, ClinGen allele CA397126944.
Genomic context (GRCh38, chr16:88,437,890, plus strand): 5'-CGGAGGCCGGGAGCGCCGGGACAGAAGGCCCGGGCCCTCGAGGGCACACTGCCCAGCAAA[C>T]GGCGCAGGGTGGCCATGCCCGGCAGTGCCCCTGGGCCCGGCGAGGACAGGCCTCCTCCCC-3'
Protein context (NP_001354553.1, residues 3464-3484): RALEGTLPSK[Arg3474Trp]RRVAMPGSAP